The following is an entry in ClinVar:

ClinVar aggregate classification (germline): Uncertain significance (1 of 4 stars; one submission).

Submission:

Women's Health and Genetics/Laboratory Corporation of America, LabCorp
Classification: Uncertain significance. Last evaluated: 2025-07-01. Review status: criteria provided, single submitter. Criteria: LabCorp Variant Classification Summary - May 2015. Collection method: clinical testing. Allele origin: germline.
Comment: Variant summary: F2 c.787C>T (p.Arg263Cys) results in a non-conservative amino acid change in the encoded protein sequence. Algorithms developed to predict the effect of missense changes on protein structure and function all suggest that this variant is likely to be disruptive. The variant was absent in 251360 control chromosomes (gnomAD). The available data on variant occurrences in the general population are insufficient to allow any conclusion about variant significance. c.787C>T has been observed in an individual affected with Congenital Prothrombin Deficiency (Akhavan_2000). These data do not allow any conclusion about variant significance. To our knowledge, no experimental evidence demonstrating an impact on protein function has been reported. The following publication has been ascertained in the context of this evaluation (PMID: 11154146). No submitters have cited clinical-significance assessments for this variant to ClinVar. Based on the evidence outlined above, the variant was classified as uncertain significance.

Literature cited by the submitters: PubMed 11154146.

NM_000506.5(F2):c.787C>T (p.Arg263Cys)

Gene: F2 (coagulation factor II, thrombin; plus strand). Cytogenetic location: 11p11.2.
Variant type: single nucleotide variant.
Coding change: c.787C>T on transcript NM_000506.5 (MANE Select); coding-DNA position 787, C replaced by T.
Protein change: p.Arg263Cys; replaces arginine 263 with cysteine.
Molecular consequence: missense variant.
Genome position (GRCh38, 1-based): chr11:46,726,086, C>T. VCF-style: chr11-46726086-C-T. GRCh37 (hg19) VCF-style: chr11-46747636-C-T.
Other names: short protein forms R263C.
Identifiers: ClinVar variation 3911996 (VCV003911996.2).
Genomic context (GRCh38, chr11:46,726,086, plus strand): 5'-AAGGCCCTGAGCAAGCACCAGGACTTCAACTCAGCTGTGCAGCTGGTGGAGAACTTCTGC[C>T]GCAACCCAGACGGGGATGAGGAGGGCGTGTGGTGCTATGTGGCCGGGAAGCCTGGCGACT-3'
Protein context (NP_000497.1, residues 253-273): SAVQLVENFC[Arg263Cys]NPDGDEEGVW